The following is an entry in ClinVar:

ClinVar aggregate classification (germline): Pathogenic (1 of 4 stars; one submission).

Submission:

Labcorp Genetics (formerly Invitae), Labcorp
Classification: Pathogenic. Last evaluated: 2023-03-28. Review status: criteria provided, single submitter. Criteria: Invitae Variant Classification Sherloc (09022015). Collection method: clinical testing. Allele origin: germline.
Comment: For these reasons, this variant has been classified as Pathogenic. This variant has not been reported in the literature in individuals affected with CEP152-related conditions. This variant is present in population databases (rs776924888, gnomAD 0.01%). This sequence change creates a premature translational stop signal (p.Gln854Glyfs*38) in the CEP152 gene. It is expected to result in an absent or disrupted protein product. Loss-of-function variants in CEP152 are known to be pathogenic (PMID: 21131973).

Literature cited by the submitters: PubMed 21131973.

NM_001194998.2(CEP152):c.2560_2561del (p.Gln854fs)

Gene: CEP152 (centrosomal protein 152; minus strand). Cytogenetic location: 15q21.1.
Variant type: Deletion.
Coding change: c.2560_2561del on transcript NM_001194998.2 (MANE Select); coding-DNA positions 2560 to 2561, 2 bases deleted (CA; older notation c.2560_2561delCA).
Protein change: p.Gln854fs; shifts the reading frame from glutamine 854.
Molecular consequence: frameshift variant.
Genome position (GRCh38, 1-based): chr15:48,762,392-48,762,393, TG deleted on the plus strand (CA on the coding strand, the reverse complement: CEP152 is on the minus strand); deleting any 2 consecutive bases within chr15:48,762,392-48,762,394 gives the same sequence; the c. name uses the placement nearest the transcript's 3' end. VCF-style (leftmost placement, unchanged base first): chr15-48762391-CTG-C. GRCh37 (hg19) VCF-style: chr15-49054588-CTG-C.
Other names: c.2560_2561del, p.Gln854fs (NM_014985.4); short protein forms Q854fs.
Identifiers: ClinVar variation 2827095 (VCV002827095.3), dbSNP rs776924888, ClinGen allele CA7548543.